The following is an entry in ClinVar:

ClinVar aggregate classification (germline): Uncertain significance (1 of 4 stars; one submission).

Allele frequency attached by ClinVar (database versions not stated): TOPMed 0.00001.

Submission:

GeneDx
Classification: Uncertain significance. Last evaluated: 2023-02-10. Review status: criteria provided, single submitter. Criteria: GeneDx Variant Classification Process June 2021. Collection method: clinical testing. Allele origin: germline. Affected: yes.
Comment: Not observed at significant frequency in large population cohorts (gnomAD); In silico analysis supports that this missense variant has a deleterious effect on protein structure/function; Has not been previously published as pathogenic or benign to our knowledge

NM_182641.4(BPTF):c.2474C>G (p.Ala825Gly)

Gene: BPTF (bromodomain PHD finger transcription factor; plus strand). Cytogenetic location: 17q24.2.
Variant type: single nucleotide variant.
Coding change: c.2474C>G on transcript NM_182641.4 (MANE Select); coding-DNA position 2474, C replaced by G.
Protein change: p.Ala825Gly; replaces alanine 825 with glycine.
Molecular consequence: missense variant.
Genome position (GRCh38, 1-based): chr17:67,894,096, C>G. VCF-style: chr17-67894096-C-G. GRCh37 (hg19) VCF-style: chr17-65890212-C-G.
Other names: c.2852C>G, p.Ala951Gly (NM_004459.7); short protein forms A825G, A951G.
Identifiers: ClinVar variation 2575639 (VCV002575639.1), dbSNP rs1007174707, ClinGen allele CA293251417.